The following is an entry in ClinVar:

ClinVar aggregate classification (germline): Uncertain significance (1 of 4 stars; one submission).

gnomAD v4.1: 3 of 1,614,024 alleles (0.00019%); highest among the groups gnomAD compares: Non-Finnish European, 0.00017%; no homozygotes.

Submission:

GeneDx
Classification: Uncertain significance. Last evaluated: 2025-08-10. Review status: criteria provided, single submitter. Criteria: GeneDx Variant Classification Process June 2021. Collection method: clinical testing. Allele origin: germline. Affected: yes.
Comment: Not observed at significant frequency in large population cohorts (gnomAD); In silico analysis suggests that this missense variant does not alter protein structure/function; Has not been previously published as pathogenic or benign to our knowledge

NM_000159.4(GCDH):c.747G>T (p.Arg249Ser)

Gene: GCDH (glutaryl-CoA dehydrogenase; plus strand). Cytogenetic location: 19p13.13.
Variant type: single nucleotide variant.
Coding change: c.747G>T on transcript NM_000159.4 (MANE Select); coding-DNA position 747, G replaced by T.
Protein change: p.Arg249Ser; replaces arginine 249 with serine.
Molecular consequence: missense variant. On other transcripts: non-coding transcript variant (2).
Genome position (GRCh38, 1-based): chr19:12,896,316, G>T. VCF-style: chr19-12896316-G-T. GRCh37 (hg19) VCF-style: chr19-13007130-G-T.
Other names: c.747G>T, p.Arg249Ser (NM_013976.5); short protein forms R249S.
Identifiers: ClinVar variation 4795557 (VCV004795557.1).